The following is an entry in ClinVar:

NM_000283.4(PDE6B):c.914C>T (p.Thr305Met)

Genes: PDE6B (phosphodiesterase 6B; plus strand), PDE6B-AS1 (PDE6B antisense RNA 1; minus strand). Cytogenetic location: 4p16.3.
Variant type: single nucleotide variant.
Coding change: c.914C>T on transcript NM_000283.4 (MANE Select); coding-DNA position 914, C replaced by T.
Protein change: p.Thr305Met; replaces threonine 305 with methionine.
Molecular consequence: missense variant. On other transcripts: 5 prime UTR variant (1).
Genome position (GRCh38, 1-based): chr4:654,141, C>T. VCF-style: chr4-654141-C-T. GRCh37 (hg19) VCF-style: chr4-647930-C-T.
Other names: c.77C>T, p.Thr26Met (NM_001379247.1, NM_001145292.2, NM_001350154.3 and 1 more transcripts); c.914C>T, p.Thr305Met (NM_001145291.2); c.-127C>T (NM_001350155.3); short protein forms T26M, T305M.
Identifiers: ClinVar variation 855224 (VCV000855224.10), dbSNP rs776099625, ClinGen allele CA2794176.
Genomic context (GRCh38, chr4:654,141, plus strand): 5'-AATTTTTTGACGTGTGGTCTGTGCTGATGGGAGAGTCCCAGCCGTACTCGGGCCCACGCA[C>T]GCCTGATGGCCGGGTGAGTCTTAGGGGAGGGGCCCAGGGCCTGTCCACACGCCTCTGTTT-3'
Protein context (NP_000274.3, residues 295-315): GESQPYSGPR[Thr305Met]PDGREIVFYK

ClinVar aggregate classification (germline): Uncertain significance. Review status: criteria provided, multiple submitters, no conflicts (2 of 4 stars). 3 submissions from 3 submitters: Uncertain significance (3). Last evaluated 2026-09-17.

Conditions:
PDE6B-related disorder. Also called: PDE6B-related disease; PDE6B-related condition; PDE6B-related disorders.

Allele frequency attached by ClinVar (database versions not stated): ExAC 0.00001; gnomAD 0.00001; gnomAD exomes 0.00002 and 0.00003; TOPMed 0.00002.
gnomAD v4.1: 27 of 1,613,508 alleles (0.0017%); highest among the groups gnomAD compares: Admixed American, 0.0083%; no homozygotes.

Submissions (3):

PreventionGenetics, part of Exact Sciences
Classification: Uncertain significance for PDE6B-related condition. Last evaluated: 2026-09-17. Review status: criteria provided, single submitter. Criteria: ACMG Guidelines, 2015. Collection method: clinical testing. Allele origin: germline.
Comment: The PDE6B c.914C>T variant is predicted to result in the amino acid substitution p.Thr305Met. To our knowledge, this variant has not been reported in the literature. This variant is reported in 0.012% of alleles in individuals of Latino descent in gnomAD. At this time, the clinical significance of this variant is uncertain due to the absence of conclusive functional and genetic evidence.

Labcorp Genetics (formerly Invitae), Labcorp
Classification: Uncertain significance. Last evaluated: 2026-01-02. Review status: criteria provided, single submitter. Criteria: Invitae Variant Classification Sherloc (09022015). Collection method: clinical testing. Allele origin: germline.
Comment: This sequence change replaces threonine, which is neutral and polar, with methionine, which is neutral and non-polar, at codon 305 of the PDE6B protein (p.Thr305Met). This variant is present in population databases (rs776099625, gnomAD 0.01%). This variant has not been reported in the literature in individuals affected with PDE6B-related conditions. ClinVar contains an entry for this variant (Variation ID: 855224). Invitae Evidence Modeling of protein sequence and biophysical properties (such as structural, functional, and spatial information, amino acid conservation, physicochemical variation, residue mobility, and thermodynamic stability) has been performed for this missense variant. However, the output from this modeling did not meet the statistical confidence thresholds required to predict the impact of this variant on PDE6B protein function. In summary, the available evidence is currently insufficient to determine the role of this variant in disease. Therefore, it has been classified as a Variant of Uncertain Significance.

Blueprint Genetics
Classification: Uncertain significance. Last evaluated: 2024-09-30. Review status: criteria provided, single submitter. Criteria: ACMG Guidelines, 2015. Collection method: clinical testing. Allele origin: germline.